The following is an entry in ClinVar:

NM_001378452.1(ITPR1):c.6841A>G (p.Met2281Val)

Gene: ITPR1 (inositol 1,4,5-trisphosphate receptor type 1; plus strand). Cytogenetic location: 3p26.1.
Variant type: single nucleotide variant.
Coding change: c.6841A>G on transcript NM_001378452.1 (MANE Select); coding-DNA position 6841, A replaced by G.
Protein change: p.Met2281Val; replaces methionine 2281 with valine.
Molecular consequence: missense variant.
Genome position (GRCh38, 1-based): chr3:4,795,097, A>G. VCF-style: chr3-4795097-A-G. GRCh37 (hg19) VCF-style: chr3-4836781-A-G.
Other names: c.6697A>G, p.Met2233Val (NM_001099952.4); c.6796A>G, p.Met2266Val (NM_001168272.2); c.6652A>G, p.Met2218Val (NM_002222.7); short protein forms M2281V, M2218V, M2266V, M2233V.
Identifiers: ClinVar variation 2786015 (VCV002786015.3), dbSNP rs756534671, ClinGen allele CA2232700.

ClinVar aggregate classification (germline): Uncertain significance (1 of 4 stars; one submission).

Allele frequency attached by ClinVar (database versions not stated): ExAC 0.00001; gnomAD 0.00001; gnomAD exomes 0.00001; TOPMed 0.00001.
gnomAD v4.1: 12 of 1,613,652 alleles (0.00074%); highest among the groups gnomAD compares: African/African-American, 0.0027%; no homozygotes.

Submission:

Labcorp Genetics (formerly Invitae), Labcorp
Classification: Uncertain significance. Last evaluated: 2022-12-29. Review status: criteria provided, single submitter. Criteria: Invitae Variant Classification Sherloc (09022015). Collection method: clinical testing. Allele origin: germline.
Comment: In summary, the available evidence is currently insufficient to determine the role of this variant in disease. Therefore, it has been classified as a Variant of Uncertain Significance. Advanced modeling of protein sequence and biophysical properties (such as structural, functional, and spatial information, amino acid conservation, physicochemical variation, residue mobility, and thermodynamic stability) performed at Invitae indicates that this missense variant is not expected to disrupt ITPR1 protein function. This variant has not been reported in the literature in individuals affected with ITPR1-related conditions. This variant is present in population databases (rs756534671, gnomAD 0.003%). This sequence change replaces methionine, which is neutral and non-polar, with valine, which is neutral and non-polar, at codon 2218 of the ITPR1 protein (p.Met2218Val).